The following is an entry in ClinVar:

NM_002386.4(MC1R):c.332C>T (p.Ala111Val)

Gene: MC1R (melanocortin 1 receptor; plus strand). Cytogenetic location: 16q24.3.
Variant type: single nucleotide variant.
Coding change: c.332C>T on transcript NM_002386.4 (MANE Select); coding-DNA position 332, C replaced by T.
Protein change: p.Ala111Val; replaces alanine 111 with valine.
Molecular consequence: missense variant.
Genome position (GRCh38, 1-based): chr16:89,919,590, C>T. VCF-style: chr16-89919590-C-T. GRCh37 (hg19) VCF-style: chr16-89985998-C-T.
Other names: short protein forms A111V.
Identifiers: ClinVar variation 470704 (VCV000470704.14), dbSNP rs201489928, ClinGen allele CA8255562.

ClinVar aggregate classification (germline): Conflicting classifications of pathogenicity. Review status: criteria provided, conflicting classifications (1 of 4 stars). 3 submissions from 3 submitters: Uncertain significance (2); Likely benign (1). Last evaluated 2025-12-15.

Conditions:
Melanoma, cutaneous malignant, susceptibility to, 5. Also called: Cutaneous malignant melanoma 5. Identifiers: Orphanet 618, MedGen C2751295, MONDO:0013133, OMIM 613099.
Tyrosinase-positive oculocutaneous albinism (OCA2). Also called: Oculocutaneous albinism type 2; Albinism, oculocutaneous, type II; ALBINISM II. Identifiers: Orphanet 79432, MedGen C0268495, MONDO:0008746, OMIM 203200.
SKIN/HAIR/EYE PIGMENTATION, VARIATION IN, 2 (SHEP2). Also called: BLOND HAIR/FAIR SKIN; HAIR COLOR 2; RED HAIR COLOR. Identifiers: MedGen C1849452, OMIM 266300.
Increased analgesia from kappa-opioid receptor agonist, female-specific. Identifiers: MedGen C2751296, OMIM 613098.

Allele frequency attached by ClinVar (database versions not stated): ESP Exome Variant Server 0.00015; gnomAD exomes 0.00016 and 0.00020; gnomAD 0.00019 and 0.00021; ExAC 0.00023; TOPMed 0.00029.

Submissions (3):

Labcorp Genetics (formerly Invitae), Labcorp
Classification: Uncertain significance for Melanoma, cutaneous malignant, susceptibility to, 5. Last evaluated: 2025-12-15. Review status: criteria provided, single submitter. Criteria: Invitae Variant Classification Sherloc (09022015). Collection method: clinical testing. Allele origin: germline.
Comment: This sequence change replaces alanine, which is neutral and non-polar, with valine, which is neutral and non-polar, at codon 111 of the MC1R protein (p.Ala111Val). This variant is present in population databases (rs201489928, gnomAD 0.03%). This missense change has been observed in individual(s) with melanoma (PMID: 15221796, 16567973, 16601669, 18983535). ClinVar contains an entry for this variant (Variation ID: 470704). Invitae Evidence Modeling of protein sequence and biophysical properties (such as structural, functional, and spatial information, amino acid conservation, physicochemical variation, residue mobility, and thermodynamic stability) indicates that this missense variant is not expected to disrupt MC1R protein function with a negative predictive value of 80%. In summary, the available evidence is currently insufficient to determine the role of this variant in disease. Therefore, it has been classified as a Variant of Uncertain Significance.

Fulgent Genetics
Classification: Uncertain significance for Tyrosinase-positive oculocutaneous albinism; SKIN/HAIR/EYE PIGMENTATION, VARIATION IN, 2; Increased analgesia from kappa-opioid receptor agonist, female-specific; Melanoma, cutaneous malignant, susceptibility to, 5. Last evaluated: 2018-10-31. Review status: criteria provided, single submitter. Criteria: ACMG Guidelines, 2015. Collection method: clinical testing. Allele origin: unknown.

Illumina Laboratory Services, Illumina
Classification: Likely benign for Melanoma, cutaneous malignant, susceptibility to, 5. Last evaluated: 2017-04-27. Review status: criteria provided, single submitter. Criteria: ICSL Variant Classification Criteria 13 December 2019. Collection method: clinical testing. Allele origin: germline.
Comment: This variant was observed as part of a predisposition screen in an ostensibly healthy population. A literature search was performed for the gene, cDNA change, and amino acid change (where applicable). Publications were found based on this search. The evidence from the literature, in combination with allele frequency data from public databases where available, was sufficient to determine this variant is unlikely to cause disease. Therefore, this variant is classified as likely benign.

Literature cited by the submitters: PubMed 15221796 (cited by Labcorp Genetics (formerly Invitae), Labcorp and Illumina Laboratory Services, Illumina); PubMed 16567973 (cited by Labcorp Genetics (formerly Invitae), Labcorp and Illumina Laboratory Services, Illumina); PubMed 16601669 (cited by Labcorp Genetics (formerly Invitae), Labcorp and Illumina Laboratory Services, Illumina); PubMed 18983535 (cited by Labcorp Genetics (formerly Invitae), Labcorp); PubMed 18402696 (cited by Illumina Laboratory Services, Illumina).